The following is an entry in ClinVar:

NM_182961.4(SYNE1):c.22303C>T (p.Arg7435Cys)

Gene: SYNE1 (spectrin repeat containing nuclear envelope protein 1; minus strand). Cytogenetic location: 6q25.2.
Variant type: single nucleotide variant.
Coding change: c.22303C>T on transcript NM_182961.4 (MANE Select); coding-DNA position 22303, C replaced by T.
Protein change: p.Arg7435Cys; replaces arginine 7435 with cysteine.
Molecular consequence: missense variant.
Genome position (GRCh38, 1-based): chr6:152,214,949, G>A on the plus strand (C>T on the coding strand, the complement: SYNE1 is on the minus strand). VCF-style: chr6-152214949-G-A. GRCh37 (hg19) VCF-style: chr6-152536084-G-A.
Other names: c.22090C>T, p.Arg7364Cys (NM_033071.5); short protein forms R7364C, R7435C.
Identifiers: ClinVar variation 282179 (VCV000282179.23), dbSNP rs371642308, ClinGen allele CA4053914.
Genomic context (GRCh38, chr6:152,214,949, plus strand): 5'-TCTCTTGTTTACTCTACCTGAATCTTTCTGTAGTCTGAGAGGAGATCAGAGACCAATGGC[G>A]GTTCAGATTCTGCATTCTTTTGATTTCCTTATCATTCAAGGGTAACCTATATCCAAGCTC-3'
Protein context (NP_892006.3, residues 7425-7445): KEIKRMQNLN[Arg7435Cys]HWSLISSQTT

ClinVar aggregate classification (germline): Conflicting classifications of pathogenicity. Review status: criteria provided, conflicting classifications (1 of 4 stars). 9 submissions from 8 submitters: Uncertain significance (8); Benign (1). Last evaluated 2026-01-02.

Conditions:
Autosomal recessive ataxia, Beauce type. Also called: Spinocerebellar ataxia, autosomal recessive 8; ATAXIA, RECESSIVE, OF BEAUCE; SYNE1-Related Autosomal Recessive Cerebellar Ataxia; SYNE1 Deficiency. Identifiers: Orphanet 88644, MedGen C1853116, MONDO:0012549, OMIM 610743.
Emery-Dreifuss muscular dystrophy 4, autosomal dominant (EDMD4). Also called: EMERY-DREIFUSS MUSCULAR DYSTROPHY 4 WITH VARIABLE FEATURES. Identifiers: Orphanet 261, MedGen C2751807, MONDO:0013071, OMIM 612998.
Inborn genetic diseases. Identifiers: MedGen C0950123, MeSH D030342.

Allele frequency attached by ClinVar (database versions not stated): ESP Exome Variant Server 0.00008; gnomAD 0.00011 and 0.00014; TOPMed 0.00015; 1000 Genomes Project 30x 0.00016; 1000 Genomes Project 0.00020; ExAC 0.00026.
gnomAD v4.1: 368 of 1,614,090 alleles (0.023%); highest among the groups gnomAD compares: South Asian, 0.072%; 1 homozygote.

Submissions (9):

Labcorp Genetics (formerly Invitae), Labcorp
Classification: Uncertain significance for Emery-Dreifuss muscular dystrophy 4, autosomal dominant; Autosomal recessive ataxia, Beauce type. Last evaluated: 2026-01-02. Review status: criteria provided, single submitter. Criteria: Invitae Variant Classification Sherloc (09022015). Collection method: clinical testing. Allele origin: germline.
Comment: This sequence change replaces arginine, which is basic and polar, with cysteine, which is neutral and slightly polar, at codon 7364 of the SYNE1 protein (p.Arg7364Cys). This variant is present in population databases (rs371642308, gnomAD 0.09%). This variant has not been reported in the literature in individuals affected with SYNE1-related conditions. ClinVar contains an entry for this variant (Variation ID: 282179). An algorithm developed to predict the effect of missense changes on protein structure and function outputs the following: PolyPhen-2: "Benign". The cysteine amino acid residue is found in multiple mammalian species, which suggests that this missense change does not adversely affect protein function. In summary, the available evidence is currently insufficient to determine the role of this variant in disease. Therefore, it has been classified as a Variant of Uncertain Significance.

Revvity Omics, Revvity
Classification: Uncertain significance. Last evaluated: 2024-12-06. Review status: criteria provided, single submitter. Criteria: ACMG Guidelines, 2015. Collection method: clinical testing. Allele origin: germline.

GeneDx
Classification: Uncertain significance. Last evaluated: 2024-05-28. Review status: criteria provided, single submitter. Criteria: GeneDx Variant Classification Process June 2021. Collection method: clinical testing. Allele origin: germline. Affected: yes.
Comment: In silico analysis supports that this missense variant has a deleterious effect on protein structure/function; Has not been previously published as pathogenic or benign to our knowledge

Athena Diagnostics
Classification: Uncertain significance. Last evaluated: 2024-05-09. Review status: criteria provided, single submitter. Criteria: Athena Diagnostics Criteria. Collection method: clinical testing. Allele origin: unknown.
Comment: Available data are insufficient to determine the clinical significance of the variant at this time. The frequency of this variant in the general population is higher than would generally be expected for pathogenic variants in this gene. Polyphen and MutationTaster yielded discordant predictions regarding whether this amino acid change is damaging to the protein.

Ambry Genetics
Classification: Uncertain significance for Inborn genetic diseases. Last evaluated: 2021-08-17. Review status: criteria provided, single submitter. Criteria: Ambry Variant Classification Scheme 2023. Collection method: clinical testing. Allele origin: germline.

Mayo Clinic Laboratories, Mayo Clinic
Classification: Uncertain significance. Last evaluated: 2020-12-07. Review status: criteria provided, single submitter. Criteria: ACMG Guidelines, 2015. Collection method: clinical testing. Allele origin: germline. Observed: 1 variant allele.

Illumina Laboratory Services, Illumina
Classification: Benign for Emery-Dreifuss muscular dystrophy 4, autosomal dominant. Last evaluated: 2018-01-13. Review status: criteria provided, single submitter. Criteria: ICSL Variant Classification Criteria 13 December 2019. Collection method: clinical testing. Allele origin: germline.
Comment: This variant was observed in the ICSL laboratory as part of a predisposition screen in an ostensibly healthy population. It had not been previously curated by ICSL or reported in the Human Gene Mutation Database (HGMD: prior to June 1st, 2018), and was therefore a candidate for classification through an automated scoring system. Utilizing variant allele frequency, disease prevalence and penetrance estimates, and inheritance mode, an automated score was calculated to assess if this variant is too frequent to cause the disease. Based on the score and internal cut-off values, a variant classified as benign is not then subjected to further curation. The score for this variant resulted in a classification of benign for this disease.

Illumina Laboratory Services, Illumina
Classification: Uncertain significance for Autosomal recessive ataxia, Beauce type. Last evaluated: 2018-01-13. Review status: criteria provided, single submitter. Criteria: ICSL Variant Classification Criteria 13 December 2019. Collection method: clinical testing. Allele origin: germline.

Eurofins Ntd Llc (ga)
Classification: Uncertain significance. Last evaluated: 2017-02-28. Review status: criteria provided, single submitter. Criteria: EGL Classification Definitions 2015. Collection method: clinical testing. Allele origin: germline. Observed: 5 variant alleles, 5 heterozygotes.

Literature cited by the submitters: PubMed 37926714 (cited by Athena Diagnostics); PubMed 29420653 (cited by Athena Diagnostics).